The following is an entry in ClinVar:

ClinVar aggregate classification (germline): Uncertain significance (1 of 4 stars; one submission).

Conditions:
Inborn genetic diseases. Identifiers: MedGen C0950123, MeSH D030342.

gnomAD v4.1: 1 of 1,614,198 alleles (0.000062%); highest among the groups gnomAD compares: Non-Finnish European, 0.000085%; no homozygotes.

Submission:

Ambry Genetics
Classification: Uncertain significance for Inborn genetic diseases. Last evaluated: 2026-08-08. Review status: criteria provided, single submitter. Criteria: Ambry Variant Classification Scheme 2023. Collection method: clinical testing. Allele origin: germline.
Comment: The p.E912K variant (also known as c.2734G>A), located in coding exon 12 of the BMPR2 gene, results from a G to A substitution at nucleotide position 2734. The glutamic acid at codon 912 is replaced by lysine, an amino acid with similar properties. This amino acid position is conserved. In addition, this alteration is predicted to be tolerated by in silico analysis. Based on the available evidence, the clinical significance of this variant remains unclear.

NM_001204.7(BMPR2):c.2734G>A (p.Glu912Lys)

Gene: BMPR2 (bone morphogenetic protein receptor type 2; plus strand). Cytogenetic location: 2q33.2.
Variant type: single nucleotide variant.
Coding change: c.2734G>A on transcript NM_001204.7 (MANE Select); coding-DNA position 2734, G replaced by A.
Protein change: p.Glu912Lys; replaces glutamic acid 912 with lysine.
Molecular consequence: missense variant.
Genome position (GRCh38, 1-based): chr2:202,556,399, G>A. VCF-style: chr2-202556399-G-A. GRCh37 (hg19) VCF-style: chr2-203421122-G-A.
Other names: short protein forms E912K.
Identifiers: ClinVar variation 5033111 (VCV005033111.1).